The following is an entry in ClinVar:

ClinVar aggregate classification (germline): Uncertain significance (1 of 4 stars; one submission).

Conditions:
Charcot-Marie-Tooth disease type 4. Also called: Charcot-Marie-Tooth, Type 4; Charcot-Marie-Tooth disease, type IV. Identifiers: Orphanet 64749, MedGen C4082197, MONDO:0018995.

Submission:

Labcorp Genetics (formerly Invitae), Labcorp
Classification: Uncertain significance for Charcot-Marie-Tooth disease type 4. Last evaluated: 2021-02-21. Review status: criteria provided, single submitter. Criteria: Invitae Variant Classification Sherloc (09022015). Collection method: clinical testing. Allele origin: germline.
Comment: In summary, the available evidence is currently insufficient to determine the role of this variant in disease. Therefore, it has been classified as a Variant of Uncertain Significance. Algorithms developed to predict the effect of missense changes on protein structure and function are either unavailable or do not agree on the potential impact of this missense change (SIFT: "Tolerated"; PolyPhen-2: "Possibly Damaging"; Align-GVGD: "Class C0"). This variant has not been reported in the literature in individuals with PRX-related conditions. This variant is not present in population databases (ExAC no frequency). This sequence change replaces proline with alanine at codon 570 of the PRX protein (p.Pro570Ala). The proline residue is highly conserved and there is a small physicochemical difference between proline and alanine.

NM_181882.3(PRX):c.1708C>G (p.Pro570Ala)

Gene: PRX (periaxin; minus strand). Cytogenetic location: 19q13.2.
Variant type: single nucleotide variant.
Coding change: c.1708C>G on transcript NM_181882.3 (MANE Select); coding-DNA position 1708, C replaced by G.
Protein change: p.Pro570Ala; replaces proline 570 with alanine.
Molecular consequence: missense variant. On other transcripts: 3 prime UTR variant (1).
Genome position (GRCh38, 1-based): chr19:40,396,644, G>C on the plus strand (C>G on the coding strand, the complement: PRX is on the minus strand). VCF-style: chr19-40396644-G-C. GRCh37 (hg19) VCF-style: chr19-40902551-G-C.
Other names: c.*1913C>G (NM_020956.2); short protein forms P570A.
Identifiers: ClinVar variation 1512415 (VCV001512415.8), dbSNP rs2145730168, ClinGen allele CA405897838.
Genomic context (GRCh38, chr19:40,396,644, plus strand): 5'-CCTTTGGAAGCTTCATCTCAGGGACTTTCATCTCTGGCACTTTCGGCAGCTGCACCTCTG[G>C]AAGCCGCACCTCTGGCACAGCCACCTCTGACACCTCTGGGAGTTTCATCTCTGACACTTT-3'
Protein context (NP_870998.2, residues 560-580): SEVAVPEVRL[Pro570Ala]EVQLPKVPEM